The following is an entry in ClinVar:

NM_001267550.2(TTN):c.54378T>A (p.Tyr18126Ter)

Genes: TTN (titin; minus strand), TTN-AS1 (TTN antisense RNA 1; plus strand). Cytogenetic location: 2q31.2.
Variant type: single nucleotide variant.
Coding change: c.54378T>A on transcript NM_001267550.2 (MANE Select); coding-DNA position 54378, T replaced by A.
Protein change: p.Tyr18126Ter; replaces tyrosine 18126 with a stop codon.
Molecular consequence: nonsense.
Genome position (GRCh38, 1-based): chr2:178,604,711, A>T on the plus strand (T>A on the coding strand, the complement: TTN is on the minus strand). VCF-style: chr2-178604711-A-T. GRCh37 (hg19) VCF-style: chr2-179469438-A-T.
Other names: c.49455T>A, p.Tyr16485Ter (NM_001256850.1); c.27183T>A, p.Tyr9061Ter (NM_003319.4); c.46674T>A, p.Tyr15558Ter (NM_133378.4); c.27558T>A, p.Tyr9186Ter (NM_133432.3); c.27759T>A, p.Tyr9253Ter (NM_133437.4); short protein forms Y15558*, Y16485*, Y18126*, Y9061*, Y9186*, Y9253*.
Identifiers: ClinVar variation 1068167 (VCV001068167.10), dbSNP rs769624146, ClinGen allele CA349553522.

ClinVar aggregate classification (germline): Likely pathogenic. Review status: criteria provided, multiple submitters, no conflicts (2 of 4 stars). 2 submissions from 2 submitters: Likely pathogenic (2). Last evaluated 2025-03-03.

Conditions:
Cardiovascular phenotype. Identifiers: MedGen CN230736.
Dilated cardiomyopathy 1G (CMD1G). Identifiers: Orphanet 154, MedGen C1858763, MONDO:0011400, OMIM 604145.
Autosomal recessive limb-girdle muscular dystrophy type 2J (LGMDR10). Also called: Limb-girdle muscular dystrophy, type 2J; MUSCULAR DYSTROPHY, LIMB-GIRDLE, AUTOSOMAL RECESSIVE 10. Identifiers: Orphanet 140922, MedGen C1837342, MONDO:0012127, OMIM 608807.

Submissions (2):

Ambry Genetics
Classification: Likely pathogenic for Cardiovascular phenotype. Last evaluated: 2025-03-03. Review status: criteria provided, single submitter. Criteria: Ambry Variant Classification Scheme 2023. Collection method: clinical testing. Allele origin: germline.
Comment: The p.Y9061* variant (also known as c.27183T>A), located in coding exon 108 of the TTN gene, results from a T to A substitution at nucleotide position 27183. This changes the amino acid from a tyrosine to a stop codon within coding exon 108. This exon is located in the A-band region of the N2-B isoform of the titin protein and is constitutively expressed in TTN transcripts (percent spliced in or PSI 100%). This variant is considered to be rare based on population cohorts in the Genome Aggregation Database (gnomAD). This variant is expected to result in loss of function by premature protein truncation or nonsense-mediated mRNA decay. While truncating variants in TTN are present in 1-3% of the general population, truncating variants in the A-band are the most common cause of dilated cardiomyopathy (Herman DS et al. N. Engl. J. Med., 2012 Feb;366:619-28; Roberts AM et al. Sci Transl Med, 2015 Jan;7:270ra6). TTN truncating variants encoded in constitutive exons (PSI >90%) have been found to be significantly associated with DCM regardless of their position in titin (Schafer S et al. Nat. Genet., 2017 01;49:46-53; Akhtar MM et al. Circ Heart Fail, 2020 Oct;13:e006832; Massier M et al. Clin Genet, 2025 Jan). Based on the majority of available evidence to date, this variant is likely to be pathogenic.

Labcorp Genetics (formerly Invitae), Labcorp
Classification: Likely pathogenic for Dilated cardiomyopathy 1G; Autosomal recessive limb-girdle muscular dystrophy type 2J. Last evaluated: 2024-11-22. Review status: criteria provided, single submitter. Criteria: Invitae Variant Classification Sherloc (09022015). Collection method: clinical testing. Allele origin: germline.
Comment: This sequence change creates a premature translational stop signal (p.Tyr18126*) in the TTN gene. While this is not anticipated to result in nonsense mediated decay, it is expected to create a truncated TTN protein. This variant is not present in population databases (gnomAD no frequency). This variant has not been reported in the literature in individuals affected with TTN-related conditions. ClinVar contains an entry for this variant (Variation ID: 1068167). This variant is located in the A band of TTN (PMID: 25589632). Truncating variants in this region are significantly overrepresented in patients affected with dilated cardiomyopathy (PMID: 25589632). Truncating variants in this region have also been reported in individuals affected with autosomal recessive centronuclear myopathy (PMID: 23975875). In summary, the currently available evidence indicates that the variant is pathogenic, but additional data are needed to prove that conclusively. Therefore, this variant has been classified as Likely Pathogenic.

Literature cited by the submitters: PubMed 25589632 (cited by Labcorp Genetics (formerly Invitae), Labcorp); PubMed 23975875 (cited by Labcorp Genetics (formerly Invitae), Labcorp).